The following is an entry in ClinVar:

ClinVar aggregate classification (germline): Uncertain significance. Review status: criteria provided, multiple submitters, no conflicts (2 of 4 stars). 3 submissions from 3 submitters: Uncertain significance (3). Last evaluated 2025-08-24.

Conditions:
Inborn genetic diseases. Identifiers: MedGen C0950123, MeSH D030342.
Combined oxidative phosphorylation defect type 11. Also called: ENCEPHALONEUROMYOPATHY, INFANTILE, DUE TO MITOCHONDRIAL TRANSLATION DEFECT; Combined oxidative phosphorylation deficiency 11. Identifiers: Orphanet 324535, MedGen C5190991, MONDO:0013969, OMIM 614922.

gnomAD v4.1: 4 of 1,613,856 alleles (0.00025%); highest among the groups gnomAD compares: Admixed American, 0.0033%; no homozygotes.

Submissions (3):

Ambry Genetics
Classification: Uncertain significance for Inborn genetic diseases. Last evaluated: 2025-08-24. Review status: criteria provided, single submitter. Criteria: Ambry Variant Classification Scheme 2023. Collection method: clinical testing. Allele origin: germline.

GeneDx
Classification: Uncertain significance. Last evaluated: 2024-06-24. Review status: criteria provided, single submitter. Criteria: GeneDx Variant Classification Process June 2021. Collection method: clinical testing. Allele origin: germline. Affected: yes.
Comment: Not observed at significant frequency in large population cohorts (gnomAD); In silico analysis indicates that this missense variant does not alter protein structure/function; Has not been previously published as pathogenic or benign to our knowledge

Fulgent Genetics
Classification: Uncertain significance for Combined oxidative phosphorylation defect type 11. Last evaluated: 2024-03-04. Review status: criteria provided, single submitter. Criteria: ACMG Guidelines, 2015. Collection method: clinical testing. Allele origin: germline.

NM_017909.4(RMND1):c.439C>T (p.Pro147Ser)

Gene: RMND1 (required for meiotic nuclear division 1 homolog; minus strand). Cytogenetic location: 6q25.1.
Variant type: single nucleotide variant.
Coding change: c.439C>T on transcript NM_017909.4 (MANE Select); coding-DNA position 439, C replaced by T.
Protein change: p.Pro147Ser; replaces proline 147 with serine.
Molecular consequence: missense variant. On other transcripts: intron variant (1).
Genome position (GRCh38, 1-based): chr6:151,445,373, G>A on the plus strand (C>T on the coding strand, the complement: RMND1 is on the minus strand). VCF-style: chr6-151445373-G-A. GRCh37 (hg19) VCF-style: chr6-151766508-G-A.
Other names: c.-7+6643C>T (NM_001271937.2); short protein forms P147S.
Identifiers: ClinVar variation 3253215 (VCV003253215.3), dbSNP rs759822198.